The following is an entry in ClinVar:

NM_001148.6(ANK2):c.3391C>A (p.Pro1131Thr)

Gene: ANK2 (ankyrin 2; plus strand). Cytogenetic location: 4q26.
Variant type: single nucleotide variant.
Coding change: c.3391C>A on transcript NM_001148.6 (MANE Select); coding-DNA position 3391, C replaced by A.
Protein change: p.Pro1131Thr; replaces proline 1131 with threonine.
Molecular consequence: missense variant.
Genome position (GRCh38, 1-based): chr4:113,335,857, C>A. VCF-style: chr4-113335857-C-A. GRCh37 (hg19) VCF-style: chr4-114257013-C-A.
Other names: c.3364C>A, p.Pro1122Thr (NM_001127493.3); c.3403C>A, p.Pro1135Thr (NM_001354225.2); c.3292C>A, p.Pro1098Thr (NM_001354228.2, NM_001354258.2); c.3370C>A, p.Pro1124Thr (NM_001354230.2); c.3433C>A, p.Pro1145Thr (NM_001354231.2, NM_001354242.2); c.3427C>A, p.Pro1143Thr (NM_001354232.2); c.3388C>A, p.Pro1130Thr (NM_001354235.2, NM_001354246.2, NM_001354265.2); c.3289C>A, p.Pro1097Thr (NM_001354236.2); and 30 more; short protein forms P1031T, P1044T, P1065T, P1079T, P1098T, P1110T, P1122T, P1146T.
Identifiers: ClinVar variation 2450637 (VCV002450637.2), dbSNP rs976177554, ClinGen allele CA103826244.

ClinVar aggregate classification (germline): Uncertain significance (1 of 4 stars; one submission).

Conditions:
Cardiovascular phenotype. Identifiers: MedGen CN230736.

Allele frequency attached by ClinVar (database versions not stated): gnomAD exomes below 0.00001; gnomAD 0.00001; TOPMed 0.00001.
gnomAD v4.1: 2 of 1,613,908 alleles (0.00012%); highest among the groups gnomAD compares: Non-Finnish European, 0.00017%; no homozygotes.

Submission:

Ambry Genetics
Classification: Uncertain significance for Cardiovascular phenotype. Last evaluated: 2022-12-25. Review status: criteria provided, single submitter. Criteria: Ambry Variant Classification Scheme 2023. Collection method: clinical testing. Allele origin: germline.
Comment: The p.P1131T variant (also known as c.3391C>A), located in coding exon 30 of the ANK2 gene, results from a C to A substitution at nucleotide position 3391. The proline at codon 1131 is replaced by threonine, an amino acid with highly similar properties. This amino acid position is conserved. In addition, the in silico prediction for this alteration is inconclusive. Since supporting evidence is limited at this time, the clinical significance of this alteration remains unclear.